The following is an entry in ClinVar:

ClinVar aggregate classification (germline): Uncertain significance (1 of 4 stars; one submission).

Conditions:
Charcot-Marie-Tooth disease axonal type 2Z. Also called: CHARCOT-MARIE-TOOTH DISEASE, AXONAL, AUTOSOMAL DOMINANT, TYPE 2Z; CHARCOT-MARIE-TOOTH NEUROPATHY, TYPE 2Z. Identifiers: Orphanet 466768, MedGen C5569025, MONDO:0014736, OMIM 616688.

gnomAD v4.1: 6 of 1,614,068 alleles (0.00037%); highest among the groups gnomAD compares: Non-Finnish European, 0.00051%; no homozygotes.

Submission:

Labcorp Genetics (formerly Invitae), Labcorp
Classification: Uncertain significance for Charcot-Marie-Tooth disease axonal type 2Z. Last evaluated: 2025-04-20. Review status: criteria provided, single submitter. Criteria: Invitae Variant Classification Sherloc (09022015). Collection method: clinical testing. Allele origin: germline.
Comment: This sequence change replaces threonine, which is neutral and polar, with lysine, which is basic and polar, at codon 565 of the MORC2 protein (p.Thr565Lys). This variant is not present in population databases (gnomAD no frequency). This variant has not been reported in the literature in individuals affected with MORC2-related conditions. Invitae Evidence Modeling of protein sequence and biophysical properties (such as structural, functional, and spatial information, amino acid conservation, physicochemical variation, residue mobility, and thermodynamic stability) has been performed for this missense variant. However, the output from this modeling did not meet the statistical confidence thresholds required to predict the impact of this variant on MORC2 protein function. In summary, the available evidence is currently insufficient to determine the role of this variant in disease. Therefore, it has been classified as a Variant of Uncertain Significance.

NM_001303256.3(MORC2):c.1694C>A (p.Thr565Lys)

Gene: MORC2 (MORC family CW-type zinc finger 2; minus strand). Cytogenetic location: 22q12.2.
Variant type: single nucleotide variant.
Coding change: c.1694C>A on transcript NM_001303256.3 (MANE Select); coding-DNA position 1694, C replaced by A.
Protein change: p.Thr565Lys; replaces threonine 565 with lysine.
Molecular consequence: missense variant.
Genome position (GRCh38, 1-based): chr22:30,936,554, G>T on the plus strand (C>A on the coding strand, the complement: MORC2 is on the minus strand). VCF-style: chr22-30936554-G-T. GRCh37 (hg19) VCF-style: chr22-31332541-G-T.
Other names: c.1694C>A, p.Thr565Lys (NM_001303257.2); c.1508C>A, p.Thr503Lys (NM_014941.3); short protein forms T565K, T503K.
Identifiers: ClinVar variation 4708592 (VCV004708592.1).